The following is an entry in ClinVar:

NM_005732.4(RAD50):c.2952A>G (p.Ile984Met)

Gene: RAD50 (RAD50 double strand break repair protein; plus strand). Cytogenetic location: 5q31.1.
Variant type: single nucleotide variant.
Coding change: c.2952A>G on transcript NM_005732.4 (MANE Select); coding-DNA position 2952, A replaced by G.
Protein change: p.Ile984Met; replaces isoleucine 984 with methionine.
Molecular consequence: missense variant.
Genome position (GRCh38, 1-based): chr5:132,609,312, A>G. VCF-style: chr5-132609312-A-G. GRCh37 (hg19) VCF-style: chr5-131945004-A-G.
Other names: short protein forms I984M.
Identifiers: ClinVar variation 579013 (VCV000579013.10), dbSNP rs1561647525, ClinGen allele CA360960401.

ClinVar aggregate classification (germline): Uncertain significance. Review status: criteria provided, multiple submitters, no conflicts (2 of 4 stars). 2 submissions from 2 submitters: Uncertain significance (2). Last evaluated 2025-08-31.

Conditions:
Hereditary cancer-predisposing syndrome. Also called: Neoplastic Syndromes, Hereditary; Tumor predisposition; Hereditary neoplastic syndrome; Hereditary Cancer Syndrome. Identifiers: Orphanet 140162, MedGen C0027672, MeSH D009386, MONDO:0015356.

Allele frequency attached by ClinVar (database versions not stated): gnomAD exomes below 0.00001; TOPMed below 0.00001.

Submissions (2):

Ambry Genetics
Classification: Uncertain significance for Hereditary cancer-predisposing syndrome. Last evaluated: 2025-08-31. Review status: criteria provided, single submitter. Criteria: Ambry Variant Classification Scheme 2023. Collection method: clinical testing. Allele origin: germline.
Comment: The p.I984M variant (also known as c.2952A>G), located in coding exon 19 of the RAD50 gene, results from an A to G substitution at nucleotide position 2952. The isoleucine at codon 984 is replaced by methionine, an amino acid with highly similar properties. This amino acid position is conserved. In addition, this alteration is predicted to be tolerated by in silico analysis. Based on the available evidence, the clinical significance of this variant remains unclear.

Labcorp Genetics (formerly Invitae), Labcorp
Classification: Uncertain significance for Hereditary cancer-predisposing syndrome. Last evaluated: 2023-10-03. Review status: criteria provided, single submitter. Criteria: Invitae Variant Classification Sherloc (09022015). Collection method: clinical testing. Allele origin: germline.
Comment: This sequence change replaces isoleucine, which is neutral and non-polar, with methionine, which is neutral and non-polar, at codon 984 of the RAD50 protein (p.Ile984Met). This variant is not present in population databases (gnomAD no frequency). This variant has not been reported in the literature in individuals affected with RAD50-related conditions. ClinVar contains an entry for this variant (Variation ID: 579013). Advanced modeling of protein sequence and biophysical properties (such as structural, functional, and spatial information, amino acid conservation, physicochemical variation, residue mobility, and thermodynamic stability) performed at Invitae indicates that this missense variant is not expected to disrupt RAD50 protein function. In summary, the available evidence is currently insufficient to determine the role of this variant in disease. Therefore, it has been classified as a Variant of Uncertain Significance.